The following is an entry in ClinVar:

NM_001351169.2(NT5C2):c.175+3085A>T

Gene: NT5C2 (5'-nucleotidase, cytosolic II; minus strand). Cytogenetic location: 10q24.33.
Variant type: single nucleotide variant.
Coding change: c.175+3085A>T on transcript NM_001351169.2 (MANE Select); 3085 bases into the intron after coding-DNA position 175, A replaced by T.
Molecular consequence: intron variant. On other transcripts: nonsense (1).
Genome position (GRCh38, 1-based): chr10:103,136,321, T>A on the plus strand (A>T on the coding strand, the complement: NT5C2 is on the minus strand). VCF-style: chr10-103136321-T-A. GRCh37 (hg19) VCF-style: chr10-104896078-T-A.
Other names: c.10A>T, p.Arg4Ter (NM_001351175.2); c.88+3085A>T (NM_001351174.1); c.-368+3085A>T (NM_001351191.1); c.-460+3085A>T (NM_001351192.1, NM_001351177.2, NM_001351197.2); c.-484+3085A>T (NM_001351193.1, NM_001351178.2, NM_001351190.2); c.-306-29615A>T (NM_001351181.2); c.-398-29615A>T (NM_001351183.2); c.-580-29615A>T (NM_001351194.2); and 11 more; short protein forms R4*.
Identifiers: ClinVar variation 3055941 (VCV003055941.2), dbSNP rs34104646, ClinGen allele CA15635890.
Genomic context (GRCh38, chr10:103,136,321, plus strand): 5'-GTTTGAATCTTGGTTCAGGTATATCATAACTAAATGTCCTTGGACAAAGTGCTTGATGTC[T>A]CAGAGTCATATGTAAAATGGAGATGATAGTAGTAACTGCTTCACAGGGTTTCTGTAAATA-3'

ClinVar aggregate classification (germline): Benign (0 of 4 stars; one submission).

Conditions:
NT5C2-related disorder. Also called: NT5C2-related condition.

Allele frequency attached by ClinVar (database versions not stated): 1000 Genomes Project 30x 0.28295; 1000 Genomes Project 0.28674; TOPMed 0.31340; gnomAD 0.31501.
gnomAD v4.1: 47,951 of 152,156 alleles (32%); highest among the groups gnomAD compares: Middle Eastern, 36%; 7,640 homozygotes.

Submission:

PreventionGenetics, part of Exact Sciences
Classification: Benign for NT5C2-related condition. Last evaluated: 2019-03-13. Review status: no assertion criteria provided. Collection method: clinical testing. Allele origin: germline.
Comment: This variant is classified as benign based on ACMG/AMP sequence variant interpretation guidelines (Richards et al. 2015 PMID: 25741868, with internal and published modifications).